The following is an entry in ClinVar:

NM_018489.3(ASH1L):c.6837C>T (p.Ile2279=)

Gene: ASH1L (ASH1 like histone lysine methyltransferase; minus strand). Cytogenetic location: 1q22.
Variant type: single nucleotide variant.
Coding change: c.6837C>T on transcript NM_018489.3 (MANE Select); coding-DNA position 6837, C replaced by T.
Protein change: p.Ile2279=; no amino-acid change (isoleucine 2279 retained).
Molecular consequence: synonymous variant.
Genome position (GRCh38, 1-based): chr1:155,357,708, G>A on the plus strand (C>T on the coding strand, the complement: ASH1L is on the minus strand). VCF-style: chr1-155357708-G-A. GRCh37 (hg19) VCF-style: chr1-155327499-G-A.
Other names: c.6852C>T, p.Ile2284= (NM_001366177.2).
Identifiers: ClinVar variation 2639408 (VCV002639408.24), dbSNP rs185919377, ClinGen allele CA1146242.

ClinVar aggregate classification (germline): Likely benign (1 of 4 stars; one submission).

Allele frequency attached by ClinVar (database versions not stated): ExAC 0.00002; TOPMed 0.00002; gnomAD 0.00004; gnomAD exomes 0.00008; 1000 Genomes Project 0.00020; 1000 Genomes Project 30x 0.00031.
gnomAD v4.1: 120 of 1,614,046 alleles (0.0074%); highest among the groups gnomAD compares: Non-Finnish European, 0.0092%; no homozygotes.

Submission:

CeGaT Center for Human Genetics Tuebingen
Classification: Likely benign. Last evaluated: 2023-10-01. Review status: criteria provided, single submitter. Criteria: CeGaT Center For Human Genetics Tuebingen Variant Classification Criteria Version 2. Collection method: clinical testing. Allele origin: germline. Affected: yes. Observed: 1 variant allele.
Comment: ASH1L: BP4, BP7